The following is an entry in ClinVar:

NM_007254.4(PNKP):c.-48T>G

Gene: PNKP (polynucleotide kinase 3'-phosphatase; minus strand). Cytogenetic location: 19q13.33.
Variant type: single nucleotide variant.
Coding change: c.-48T>G on transcript NM_007254.4 (MANE Select); 48 bases upstream of the start codon, T replaced by G.
Molecular consequence: 5 prime UTR variant.
Genome position (GRCh38, 1-based): chr19:49,867,503, A>C on the plus strand (T>G on the coding strand, the complement: PNKP is on the minus strand). VCF-style: chr19-49867503-A-C. GRCh37 (hg19) VCF-style: chr19-50370760-A-C.
Identifiers: ClinVar variation 379892 (VCV000379892.1), dbSNP rs1057520774, ClinGen allele CA16609012.

ClinVar aggregate classification (germline): Likely benign (1 of 4 stars; one submission).

Allele frequency attached by ClinVar (database versions not stated): gnomAD exomes below 0.00001; TOPMed below 0.00001; gnomAD 0.00001; 1000 Genomes Project 30x 0.00031.

Submission:

GeneDx
Classification: Likely benign. Last evaluated: 2015-10-26. Review status: criteria provided, single submitter. Criteria: GeneDx Variant Classification (06012015). Collection method: clinical testing. Allele origin: germline. Affected: yes.
Comment: This variant is considered likely benign or benign based on one or more of the following criteria: it is a conservative change, it occurs at a poorly conserved position in the protein, it is predicted to be benign by multiple in silico algorithms, and/or has population frequency not consistent with disease.